The following is an entry in ClinVar:

NM_001375524.1(TRRAP):c.8450C>T (p.Ser2817Phe)

Gene: TRRAP (transformation/transcription domain associated protein; plus strand). Cytogenetic location: 7q22.1.
Variant type: single nucleotide variant.
Coding change: c.8450C>T on transcript NM_001375524.1 (MANE Select); coding-DNA position 8450, C replaced by T.
Protein change: p.Ser2817Phe; replaces serine 2817 with phenylalanine.
Molecular consequence: missense variant.
Genome position (GRCh38, 1-based): chr7:98,978,275, C>T. VCF-style: chr7-98978275-C-T. GRCh37 (hg19) VCF-style: chr7-98575898-C-T.
Other names: c.8429C>T, p.Ser2810Phe (NM_001244580.2); c.8375C>T, p.Ser2792Phe (NM_003496.4); short protein forms S2792F, S2817F, S2810F.
Identifiers: ClinVar variation 1449260 (VCV001449260.6), dbSNP rs759735909, ClinGen allele CA4361450.

ClinVar aggregate classification (germline): Uncertain significance (1 of 4 stars; one submission).

Allele frequency attached by ClinVar (database versions not stated): gnomAD exomes 0.00001; ExAC 0.00002; TOPMed 0.00002; gnomAD 0.00003.
gnomAD v4.1: 7 of 1,614,056 alleles (0.00043%); highest among the groups gnomAD compares: Non-Finnish European, 0.00059%; no homozygotes.

Submission:

Labcorp Genetics (formerly Invitae), Labcorp
Classification: Uncertain significance. Last evaluated: 2025-11-05. Review status: criteria provided, single submitter. Criteria: Invitae Variant Classification Sherloc (09022015). Collection method: clinical testing. Allele origin: germline.
Comment: This sequence change replaces serine, which is neutral and polar, with phenylalanine, which is neutral and non-polar, at codon 2792 of the TRRAP protein (p.Ser2792Phe). This variant is present in population databases (rs759735909, gnomAD 0.006%). This variant has not been reported in the literature in individuals affected with TRRAP-related conditions. ClinVar contains an entry for this variant (Variation ID: 1449260). Invitae Evidence Modeling of protein sequence and biophysical properties (such as structural, functional, and spatial information, amino acid conservation, physicochemical variation, residue mobility, and thermodynamic stability) indicates that this missense variant is expected to disrupt TRRAP protein function with a positive predictive value of 80%. In summary, the available evidence is currently insufficient to determine the role of this variant in disease. Therefore, it has been classified as a Variant of Uncertain Significance.